The following is an entry in ClinVar:

NM_182914.3(SYNE2):c.2933A>G (p.Glu978Gly)

Gene: SYNE2 (spectrin repeat containing nuclear envelope protein 2; plus strand). Cytogenetic location: 14q23.2.
Variant type: single nucleotide variant.
Coding change: c.2933A>G on transcript NM_182914.3 (MANE Select); coding-DNA position 2933, A replaced by G.
Protein change: p.Glu978Gly; replaces glutamic acid 978 with glycine.
Molecular consequence: missense variant.
Genome position (GRCh38, 1-based): chr14:63,995,195, A>G. VCF-style: chr14-63995195-A-G. GRCh37 (hg19) VCF-style: chr14-64461913-A-G.
Other names: c.2933A>G, p.Glu978Gly (NM_015180.6); short protein forms E978G.
Identifiers: ClinVar variation 1471742 (VCV001471742.8), dbSNP rs769589509, ClinGen allele CA7219826.

ClinVar aggregate classification (germline): Uncertain significance (1 of 4 stars; one submission).

Conditions:
Emery-Dreifuss muscular dystrophy 5, autosomal dominant (EDMD5). Also called: EMERY-DREIFUSS MUSCULAR DYSTROPHY 5. Identifiers: Orphanet 261, MedGen C2751805, MONDO:0013072, OMIM 612999.

Allele frequency attached by ClinVar (database versions not stated): gnomAD exomes 0.00002 and 0.00004; ExAC 0.00004.
gnomAD v4.1: 24 of 1,606,418 alleles (0.0015%); highest among the groups gnomAD compares: South Asian, 0.027%; no homozygotes.

Submission:

Labcorp Genetics (formerly Invitae), Labcorp
Classification: Uncertain significance for Emery-Dreifuss muscular dystrophy 5, autosomal dominant. Last evaluated: 2023-05-23. Review status: criteria provided, single submitter. Criteria: Invitae Variant Classification Sherloc (09022015). Collection method: clinical testing. Allele origin: germline.
Comment: In summary, the available evidence is currently insufficient to determine the role of this variant in disease. Therefore, it has been classified as a Variant of Uncertain Significance. An algorithm developed to predict the effect of missense changes on protein structure and function (PolyPhen-2) suggests that this variant is likely to be disruptive. ClinVar contains an entry for this variant (Variation ID: 1471742). This variant has not been reported in the literature in individuals affected with SYNE2-related conditions. This variant is present in population databases (rs769589509, gnomAD 0.03%). This sequence change replaces glutamic acid, which is acidic and polar, with glycine, which is neutral and non-polar, at codon 978 of the SYNE2 protein (p.Glu978Gly).